The following is an entry in ClinVar:

NM_033026.6(PCLO):c.13704T>G (p.Tyr4568Ter)

Gene: PCLO (piccolo presynaptic cytomatrix protein; minus strand). Cytogenetic location: 7q21.11.
Variant type: single nucleotide variant.
Coding change: c.13704T>G on transcript NM_033026.6 (MANE Select); coding-DNA position 13704, T replaced by G.
Protein change: p.Tyr4568Ter; replaces tyrosine 4568 with a stop codon.
Molecular consequence: nonsense.
Genome position (GRCh38, 1-based): chr7:82,847,198, A>C on the plus strand (T>G on the coding strand, the complement: PCLO is on the minus strand). VCF-style: chr7-82847198-A-C. GRCh37 (hg19) VCF-style: chr7-82476514-A-C.
Other names: c.13704T>G, p.Tyr4568Ter (NM_014510.3); short protein forms Y4568*.
Identifiers: ClinVar variation 2096940 (VCV002096940.4), dbSNP rs2535333332, ClinGen allele CA367879697.

ClinVar aggregate classification (germline): Pathogenic (1 of 4 stars; one submission).

Submission:

Labcorp Genetics (formerly Invitae), Labcorp
Classification: Pathogenic. Last evaluated: 2022-02-11. Review status: criteria provided, single submitter. Criteria: Invitae Variant Classification Sherloc (09022015). Collection method: clinical testing. Allele origin: germline.
Comment: Algorithms developed to predict the effect of sequence changes on RNA splicing suggest that this variant may create or strengthen a splice site. For these reasons, this variant has been classified as Pathogenic. This sequence change creates a premature translational stop signal (p.Tyr4568*) in the PCLO gene. It is expected to result in an absent or disrupted protein product. Loss-of-function variants in PCLO are known to be pathogenic (PMID: 25832664, 30287594). This variant is not present in population databases (gnomAD no frequency). This variant has not been reported in the literature in individuals affected with PCLO-related conditions.

Literature cited by the submitters: PubMed 25832664; PubMed 30287594.